The following is an entry in ClinVar:

NM_001009999.3(KDM1A):c.1434A>C (p.Lys478Asn)

Gene: KDM1A (lysine demethylase 1A; plus strand). Cytogenetic location: 1p36.12.
Variant type: single nucleotide variant.
Coding change: c.1434A>C on transcript NM_001009999.3 (MANE Select); coding-DNA position 1434, A replaced by C.
Protein change: p.Lys478Asn; replaces lysine 478 with asparagine.
Molecular consequence: missense variant.
Genome position (GRCh38, 1-based): chr1:23,071,245, A>C. VCF-style: chr1-23071245-A-C. GRCh37 (hg19) VCF-style: chr1-23397738-A-C.
Other names: c.1434A>C (NM_001009999.2); c.1362A>C, p.Lys454Asn (NM_001363654.2, NM_001410763.1, NM_015013.4); c.1422A>C, p.Lys474Asn (NM_001410762.1); short protein forms K454N, K474N, K478N.
Identifiers: ClinVar variation 3026416 (VCV003026416.23), dbSNP rs922690715, ClinGen allele CA19210530.

ClinVar aggregate classification (germline): Uncertain significance. Review status: criteria provided, multiple submitters, no conflicts (2 of 4 stars). 2 submissions from 2 submitters: Uncertain significance (2). Last evaluated 2025-01-16.

Conditions:
Inborn genetic diseases. Identifiers: MedGen C0950123, MeSH D030342.

Allele frequency attached by ClinVar (database versions not stated): TOPMed 0.00001; gnomAD 0.00002.
gnomAD v4.1: 26 of 1,599,230 alleles (0.0016%); highest among the groups gnomAD compares: Non-Finnish European, 0.002%; no homozygotes.

Submissions (2):

Ambry Genetics
Classification: Uncertain significance for Inborn genetic diseases. Last evaluated: 2025-01-16. Review status: criteria provided, single submitter. Criteria: Ambry Variant Classification Scheme 2023. Collection method: clinical testing. Allele origin: germline.
Comment: The p.K478N variant (also known as c.1434A>C), located in coding exon 13 of the KDM1A gene, results from an A to C substitution at nucleotide position 1434. The lysine at codon 478 is replaced by asparagine, an amino acid with similar properties. This amino acid position is conserved. In addition, this alteration is predicted to be tolerated by in silico analysis. Based on the available evidence, the clinical significance of this variant remains unclear.

CeGaT Center for Human Genetics Tuebingen
Classification: Uncertain significance. Last evaluated: 2022-09-01. Review status: criteria provided, single submitter. Criteria: CeGaT Center For Human Genetics Tuebingen Variant Classification Criteria Version 2. Collection method: clinical testing. Allele origin: germline. Affected: yes. Observed: 1 variant allele.
Comment: KDM1A: PP2